The following is an entry in ClinVar:

NM_001256545.2(MEGF10):c.2900C>T (p.Pro967Leu)

Gene: MEGF10 (multiple EGF like domains 10; plus strand). Cytogenetic location: 5q23.2.
Variant type: single nucleotide variant.
Coding change: c.2900C>T on transcript NM_001256545.2 (MANE Select); coding-DNA position 2900, C replaced by T.
Protein change: p.Pro967Leu; replaces proline 967 with leucine.
Molecular consequence: missense variant.
Genome position (GRCh38, 1-based): chr5:127,449,142, C>T. VCF-style: chr5-127449142-C-T. GRCh37 (hg19) VCF-style: chr5-126784834-C-T.
Other names: c.2900C>T, p.Pro967Leu (NM_032446.3); short protein forms P967L.
Identifiers: ClinVar variation 946850 (VCV000946850.10), dbSNP rs1474577162, ClinGen allele CA360735429.

ClinVar aggregate classification (germline): Uncertain significance (1 of 4 stars; one submission).

Conditions:
MEGF10-related myopathy (CMYO10A). Also called: Congenital myopathy 10A, severe variant. Identifiers: Orphanet 439212, MedGen C3280679, MONDO:0013731, OMIM 614399.

Allele frequency attached by ClinVar (database versions not stated): gnomAD exomes below 0.00001.
gnomAD v4.1: 1 of 1,614,016 alleles (0.000062%); highest among the groups gnomAD compares: East Asian, 0.0022%; no homozygotes.

Submission:

Labcorp Genetics (formerly Invitae), Labcorp
Classification: Uncertain significance for MEGF10-related myopathy. Last evaluated: 2019-06-05. Review status: criteria provided, single submitter. Criteria: Invitae Variant Classification Sherloc (09022015). Collection method: clinical testing. Allele origin: germline.
Comment: This variant is not present in population databases (ExAC no frequency). This sequence change replaces proline with leucine at codon 967 of the MEGF10 protein (p.Pro967Leu). The proline residue is highly conserved and there is a moderate physicochemical difference between proline and leucine. This variant has not been reported in the literature in individuals with MEGF10-related conditions. In summary, the available evidence is currently insufficient to determine the role of this variant in disease. Therefore, it has been classified as a Variant of Uncertain Significance. Algorithms developed to predict the effect of missense changes on protein structure and function are either unavailable or do not agree on the potential impact of this missense change (SIFT: "Deleterious"; PolyPhen-2: "Benign"; Align-GVGD: "Class C0").